The following is an entry in ClinVar:

NM_181332.3(NLGN4X):c.2280C>T (p.Tyr760=)

Gene: NLGN4X (neuroligin 4 X-linked; minus strand). Cytogenetic location: Xp22.32.
Variant type: single nucleotide variant.
Coding change: c.2280C>T on transcript NM_181332.3 (MANE Select); coding-DNA position 2280, C replaced by T.
Protein change: p.Tyr760=; no amino-acid change (tyrosine 760 retained).
Molecular consequence: synonymous variant.
Genome position (GRCh38, 1-based): chrX:5,892,988, G>A on the plus strand (C>T on the coding strand, the complement: NLGN4X is on the minus strand). VCF-style: chrX-5892988-G-A. GRCh37 (hg19) VCF-style: chrX-5811029-G-A.
Other names: c.2280C>T, p.Tyr760= (NM_001282145.2, NM_001282146.2, NM_020742.4).
Identifiers: ClinVar variation 95983 (VCV000095983.16), dbSNP rs75350246, ClinGen allele CA149108.
Genomic context (GRCh38, chrX:5,892,988, plus strand): 5'-GGTGATGGTGTTTGGCGTCATAAGTGGGATGTCATCTGGCGACCGGCGCAGCGTGAGGGT[G>A]TAGTCTGGCGGGCAGGTGAGCCTCAGTGTGTCGTGTGCCTGCAGCGACTCACACTCGTGA-3'
Protein context (NP_851849.1, residues 750-770): DTLRLTCPPD[Tyr760=]TLTLRRSPDD

ClinVar aggregate classification (germline): Benign/Likely benign. Review status: criteria provided, multiple submitters, no conflicts (2 of 4 stars). 5 submissions from 5 submitters: Benign (2); Likely benign (2). 1 of the submissions does not count toward it. Last evaluated 2019-12-31.

Conditions:
NLGN4X-related disorder. Also called: NLGN4X-related condition.
Inborn genetic diseases. Identifiers: MedGen C0950123, MeSH D030342.

Allele frequency attached by ClinVar (database versions not stated): gnomAD exomes 0.00038 and 0.00118; ExAC 0.00154; gnomAD 0.00366 and 0.00384; TOPMed 0.00447; ESP Exome Variant Server 0.00464; 1000 Genomes Project 0.00556; 1000 Genomes Project 30x 0.00645.
gnomAD v4.1: 857 of 1,209,608 alleles (0.071%); highest among the groups gnomAD compares: African/African-American, 1.3%; 4 homozygotes.

Submissions (5):

Labcorp Genetics (formerly Invitae), Labcorp
Classification: Benign. Last evaluated: 2019-12-31. Review status: criteria provided, single submitter. Criteria: Invitae Variant Classification Sherloc (09022015). Collection method: clinical testing. Allele origin: germline.

Ambry Genetics
Classification: Likely benign for Inborn genetic diseases. Last evaluated: 2015-11-09. Review status: criteria provided, single submitter. Criteria: Ambry Variant Classification Scheme 2023. Collection method: clinical testing. Allele origin: germline.

Eurofins Ntd Llc (ga)
Classification: Benign. Last evaluated: 2013-10-10. Review status: criteria provided, single submitter. Criteria: EGL Classification Definitions 2015. Collection method: clinical testing. Allele origin: germline. Observed: 1 variant allele, 1 heterozygote.

Breakthrough Genomics
Classification: Likely benign. Review status: criteria provided, single submitter. Criteria: ACMG Guidelines, 2015. Collection method: not provided. Allele origin: germline. Inheritance: X-linked inheritance. Affected: yes.

PreventionGenetics, part of Exact Sciences
Classification: Benign for NLGN4X-related condition. Last evaluated: 2021-04-19. Review status: no assertion criteria provided. Collection method: clinical testing. Allele origin: germline. Not counted in ClinVar's aggregate classification.
Comment: This variant is classified as benign based on ACMG/AMP sequence variant interpretation guidelines (Richards et al. 2015 PMID: 25741868, with internal and published modifications).